The following is an entry in ClinVar:

ClinVar aggregate classification (germline): Likely benign (0 of 4 stars; one submission).

Conditions:
WDFY3-related disorder.

Submission:

PreventionGenetics, part of Exact Sciences
Classification: Likely benign for WDFY3-related condition. Last evaluated: 2024-04-04. Review status: no assertion criteria provided. Collection method: clinical testing. Allele origin: germline.
Comment: This variant is classified as likely benign based on ACMG/AMP sequence variant interpretation guidelines (Richards et al. 2015 PMID: 25741868, with internal and published modifications).

NM_014991.6(WDFY3):c.5313C>G (p.Ala1771=)

Gene: WDFY3 (WD repeat and FYVE domain containing 3; minus strand). Cytogenetic location: 4q21.23.
Variant type: single nucleotide variant.
Coding change: c.5313C>G on transcript NM_014991.6 (MANE Select); coding-DNA position 5313, C replaced by G.
Protein change: p.Ala1771=; no amino-acid change (alanine 1771 retained).
Molecular consequence: synonymous variant.
Genome position (GRCh38, 1-based): chr4:84,757,037, G>C on the plus strand (C>G on the coding strand, the complement: WDFY3 is on the minus strand). VCF-style: chr4-84757037-G-C. GRCh37 (hg19) VCF-style: chr4-85678190-G-C.
Identifiers: ClinVar variation 3349805 (VCV003349805.1).
Genomic context (GRCh38, chr4:84,757,037, plus strand): 5'-GTTCTCAGGCAGCTCACTAACTGGCTGCTGCAGAAACAAGGCCATGAGGAGAAAATAGAG[G>C]GCAGGGACATTAGTGTGTTTAGGAAGGAATGACTGAAGGACTGGAAAACCAGGAAAATGA-3'
Protein context (NP_055806.2, residues 1761-1781): SFLPKHTNVP[Ala1771=]LYFLLMALFL